The following is an entry in ClinVar:

NM_000631.5(NCF4):c.767C>T (p.Ala256Val)

Gene: NCF4 (neutrophil cytosolic factor 4; plus strand). Cytogenetic location: 22q12.3.
Variant type: single nucleotide variant.
Coding change: c.767C>T on transcript NM_000631.5 (MANE Select); coding-DNA position 767, C replaced by T.
Protein change: p.Ala256Val; replaces alanine 256 with valine.
Molecular consequence: missense variant.
Genome position (GRCh38, 1-based): chr22:36,876,037, C>T. VCF-style: chr22-36876037-C-T. GRCh37 (hg19) VCF-style: chr22-37272079-C-T.
Other names: c.1012C>T, p.Arg338Trp (NM_013416.4); short protein forms R338W, A256V.
Identifiers: ClinVar variation 2168913 (VCV002168913.1), dbSNP rs761060692, ClinGen allele CA10213210.

ClinVar aggregate classification (germline): Uncertain significance (1 of 4 stars; one submission).

Conditions:
Granulomatous disease, chronic, autosomal recessive, cytochrome b-positive, type 3. Also called: Granulomatous disease, chronic, autosomal recessive, cytochrome b-positive, type III; GRANULOMATOUS DISEASE, CHRONIC, DUE TO NCF4 DEFICIENCY; GRANULOMATOUS DISEASE, CHRONIC, AUTOSOMAL RECESSIVE, 3; CGD, AUTOSOMAL RECESSIVE CYTOCHROME b-POSITIVE, TYPE III. Identifiers: Orphanet 379, MedGen C3151409, MONDO:0013507, OMIM 613960.

Allele frequency attached by ClinVar (database versions not stated): gnomAD exomes below 0.00001; TOPMed 0.00001; ExAC 0.00002.
gnomAD v4.1: 6 of 1,612,614 alleles (0.00037%); highest among the groups gnomAD compares: East Asian, 0.0022%; no homozygotes.

Submission:

Labcorp Genetics (formerly Invitae), Labcorp
Classification: Uncertain significance for Granulomatous disease, chronic, autosomal recessive, cytochrome b-positive, type 3. Last evaluated: 2022-03-01. Review status: criteria provided, single submitter. Criteria: Invitae Variant Classification Sherloc (09022015). Collection method: clinical testing. Allele origin: germline.
Comment: This sequence change replaces arginine, which is basic and polar, with tryptophan, which is neutral and slightly polar, at codon 338 of the NCF4 protein (p.Arg338Trp). This variant is present in population databases (rs761060692, gnomAD 0.007%). This variant has not been reported in the literature in individuals affected with NCF4-related conditions. Algorithms developed to predict the effect of missense changes on protein structure and function are either unavailable or do not agree on the potential impact of this missense change (SIFT: "Deleterious"; PolyPhen-2: "Possibly Damaging"; Align-GVGD: "Class C15"). In summary, the available evidence is currently insufficient to determine the role of this variant in disease. Therefore, it has been classified as a Variant of Uncertain Significance.